The following is an entry in ClinVar:

NM_001377334.1(PIK3C2B):c.2150C>T (p.Pro717Leu)

Gene: PIK3C2B (phosphatidylinositol-4-phosphate 3-kinase catalytic subunit type 2 beta; minus strand). Cytogenetic location: 1q32.1.
Variant type: single nucleotide variant.
Coding change: c.2150C>T on transcript NM_001377334.1 (MANE Select); coding-DNA position 2150, C replaced by T.
Protein change: p.Pro717Leu; replaces proline 717 with leucine.
Molecular consequence: missense variant.
Genome position (GRCh38, 1-based): chr1:204,449,934, G>A on the plus strand (C>T on the coding strand, the complement: PIK3C2B is on the minus strand). VCF-style: chr1-204449934-G-A. GRCh37 (hg19) VCF-style: chr1-204419062-G-A.
Other names: c.2150C>T, p.Pro717Leu (NM_001377335.1, NM_002646.4); short protein forms P717L.
Identifiers: ClinVar variation 3048232 (VCV003048232.2), dbSNP rs142362916, ClinGen allele CA1347777.

ClinVar aggregate classification (germline): Likely benign (0 of 4 stars; one submission).

Conditions:
PIK3C2B-related disorder. Also called: PIK3C2B-related condition.

Allele frequency attached by ClinVar (database versions not stated): ExAC 0.00032; gnomAD 0.00071; TOPMed 0.00088; 1000 Genomes Project 30x 0.00094; 1000 Genomes Project 0.00100; ESP Exome Variant Server 0.00123.
gnomAD v4.1: 250 of 1,612,990 alleles (0.015%); highest among the groups gnomAD compares: African/African-American, 0.25%; no homozygotes.

Submission:

PreventionGenetics, part of Exact Sciences
Classification: Likely benign for PIK3C2B-related condition. Last evaluated: 2023-04-17. Review status: no assertion criteria provided. Collection method: clinical testing. Allele origin: germline.
Comment: This variant is classified as likely benign based on ACMG/AMP sequence variant interpretation guidelines (Richards et al. 2015 PMID: 25741868, with internal and published modifications).